The following is an entry in ClinVar:

ClinVar aggregate classification (germline): Likely benign (1 of 4 stars; one submission).

Submission:

GeneDx
Classification: Likely benign. Last evaluated: 2016-11-25. Review status: criteria provided, single submitter. Criteria: GeneDx Variant Classification (06012015). Collection method: clinical testing. Allele origin: germline. Affected: yes.
Comment: This variant is considered likely benign or benign based on one or more of the following criteria: it is a conservative change, it occurs at a poorly conserved position in the protein, it is predicted to be benign by multiple in silico algorithms, and/or has population frequency not consistent with disease.

NM_006294.5(UQCRB):c.91+11G>C

Gene: UQCRB (ubiquinol-cytochrome c reductase binding protein; minus strand). Cytogenetic location: 8q22.1.
Variant type: single nucleotide variant.
Coding change: c.91+11G>C on transcript NM_006294.5 (MANE Select); 11 bases into the intron after coding-DNA position 91, G replaced by C.
Molecular consequence: intron variant.
Genome position (GRCh38, 1-based): chr8:96,233,145, C>G on the plus strand (G>C on the coding strand, the complement: UQCRB is on the minus strand). VCF-style: chr8-96233145-C-G. GRCh37 (hg19) VCF-style: chr8-97245373-C-G.
Other names: c.91+11G>C (NM_001254752.2); c.-6+11G>C (NM_001199975.3).
Identifiers: ClinVar variation 390908 (VCV000390908.1), dbSNP rs1057523920, ClinGen allele CA16605281.